The following is an entry in ClinVar:

ClinVar aggregate classification (germline): Uncertain significance. Review status: criteria provided, multiple submitters, no conflicts (2 of 4 stars). 2 submissions from 2 submitters: Uncertain significance (2). Last evaluated 2023-04-16.

Conditions:
Hereditary cancer-predisposing syndrome. Also called: Hereditary neoplastic syndrome; Tumor predisposition; Neoplastic Syndromes, Hereditary; Hereditary Cancer Syndrome. Identifiers: Orphanet 140162, MedGen C0027672, MeSH D009386, MONDO:0015356.

Allele frequency attached by ClinVar (database versions not stated): gnomAD exomes below 0.00001; ExAC 0.00001; gnomAD 0.00001; TOPMed 0.00001.
gnomAD v4.1: 1 of 1,613,954 alleles (0.000062%); highest among the groups gnomAD compares: African/African-American, 0.0013%; no homozygotes.

Submissions (2):

Ambry Genetics
Classification: Uncertain significance for Hereditary cancer-predisposing syndrome. Last evaluated: 2023-04-16. Review status: criteria provided, single submitter. Criteria: Ambry Variant Classification Scheme 2023. Collection method: clinical testing. Allele origin: germline.
Comment: The p.F469L variant (also known as c.1405T>C), located in coding exon 9 of the MSH3 gene, results from a T to C substitution at nucleotide position 1405. The phenylalanine at codon 469 is replaced by leucine, an amino acid with highly similar properties. This amino acid position is conserved. In addition, the in silico prediction for this alteration is inconclusive. Since supporting evidence is limited at this time, the clinical significance of this alteration remains unclear.

Labcorp Genetics (formerly Invitae), Labcorp
Classification: Uncertain significance. Last evaluated: 2022-07-12. Review status: criteria provided, single submitter. Criteria: Invitae Variant Classification Sherloc (09022015). Collection method: clinical testing. Allele origin: germline.
Comment: In summary, the available evidence is currently insufficient to determine the role of this variant in disease. Therefore, it has been classified as a Variant of Uncertain Significance. Algorithms developed to predict the effect of missense changes on protein structure and function are either unavailable or do not agree on the potential impact of this missense change (SIFT: "Deleterious"; PolyPhen-2: "Benign"; Align-GVGD: "Class C0"). ClinVar contains an entry for this variant (Variation ID: 954146). This variant has not been reported in the literature in individuals affected with MSH3-related conditions. This variant is present in population databases (rs761160657, gnomAD 0.007%). This sequence change replaces phenylalanine, which is neutral and non-polar, with leucine, which is neutral and non-polar, at codon 469 of the MSH3 protein (p.Phe469Leu).

NM_002439.5(MSH3):c.1405T>C (p.Phe469Leu)

Gene: MSH3 (mutS homolog 3; plus strand). Cytogenetic location: 5q14.1.
Variant type: single nucleotide variant.
Coding change: c.1405T>C on transcript NM_002439.5 (MANE Select); coding-DNA position 1405, T replaced by C.
Protein change: p.Phe469Leu; replaces phenylalanine 469 with leucine.
Molecular consequence: missense variant.
Genome position (GRCh38, 1-based): chr5:80,725,517, T>C. VCF-style: chr5-80725517-T-C. GRCh37 (hg19) VCF-style: chr5-80021336-T-C.
Other names: c.1405T>C (NM_002439.3); short protein forms F469L.
Identifiers: ClinVar variation 954146 (VCV000954146.11), dbSNP rs761160657, ClinGen allele CA3327897.